The following is an entry in ClinVar:

ClinVar aggregate classification (germline): Uncertain significance. Review status: criteria provided, multiple submitters, no conflicts (2 of 4 stars). 3 submissions from 3 submitters: Uncertain significance (3). Last evaluated 2024-04-29.

Conditions:
Hereditary cancer-predisposing syndrome. Also called: Tumor predisposition; Hereditary neoplastic syndrome; Neoplastic Syndromes, Hereditary; Hereditary Cancer Syndrome. Identifiers: Orphanet 140162, MedGen C0027672, MeSH D009386, MONDO:0015356.
Juvenile polyposis syndrome (JPS). Identifiers: Orphanet 2929, MedGen C0345893, MONDO:0017380, OMIM 174900.

Allele frequency attached by ClinVar (database versions not stated): gnomAD exomes below 0.00001.
gnomAD v4.1: 1 of 1,614,042 alleles (0.000062%); highest among the groups gnomAD compares: Non-Finnish European, 0.000085%; no homozygotes.

Submissions (3):

Labcorp Genetics (formerly Invitae), Labcorp
Classification: Uncertain significance for Juvenile polyposis syndrome. Last evaluated: 2024-04-29. Review status: criteria provided, single submitter. Criteria: Invitae Variant Classification Sherloc (09022015). Collection method: clinical testing. Allele origin: germline.
Comment: This sequence change replaces proline, which is neutral and non-polar, with serine, which is neutral and polar, at codon 397 of the BMPR1A protein (p.Pro397Ser). This variant is not present in population databases (gnomAD no frequency). This variant has not been reported in the literature in individuals affected with BMPR1A-related conditions. ClinVar contains an entry for this variant (Variation ID: 927603). Advanced modeling of protein sequence and biophysical properties (such as structural, functional, and spatial information, amino acid conservation, physicochemical variation, residue mobility, and thermodynamic stability) has been performed at Invitae for this missense variant, however the output from this modeling did not meet the statistical confidence thresholds required to predict the impact of this variant on BMPR1A protein function. In summary, the available evidence is currently insufficient to determine the role of this variant in disease. Therefore, it has been classified as a Variant of Uncertain Significance.

Color Diagnostics, LLC DBA Color Health
Classification: Uncertain significance for Hereditary cancer-predisposing syndrome. Last evaluated: 2024-03-06. Review status: criteria provided, single submitter. Criteria: ACMG Guidelines, 2015. Collection method: clinical testing. Allele origin: germline.
Comment: This missense variant replaces proline with serine at codon 397 of the BMPR1A protein. Computational prediction suggests that this variant may not impact protein structure and function (internally defined REVEL score threshold <= 0.5, PMID: 27666373). To our knowledge, functional studies have not been reported for this variant. This variant has not been reported in individuals affected with BMPR1A-related disorders in the literature. This variant has not been identified in the general population by the Genome Aggregation Database (gnomAD). The available evidence is insufficient to determine the role of this variant in disease conclusively. Therefore, this variant is classified as a Variant of Uncertain Significance.

All of Us Research Program, National Institutes of Health
Classification: Uncertain significance for Juvenile polyposis syndrome. Last evaluated: 2023-05-16. Review status: criteria provided, single submitter. Criteria: ACMG Guidelines, 2015. Collection method: clinical testing. Allele origin: germline. Inheritance: Autosomal dominant inheritance. Observed: 1 variant allele, 1 heterozygote.
Comment: This missense variant replaces proline with serine at codon 397 of the BMPR1A protein. Computational prediction suggests that this variant may not impact protein structure and function (internally defined REVEL score threshold <= 0.5, PMID: 27666373). To our knowledge, functional studies have not been reported for this variant. This variant has not been reported in individuals affected with BMPR1A-related disorders in the literature. This variant has not been identified in the general population by the Genome Aggregation Database (gnomAD). The available evidence is insufficient to determine the role of this variant in disease conclusively. Therefore, this variant is classified as a Variant of Uncertain Significance.

This study involves interpretation of variants in research participants for the purpose of population health screening. Participant phenotype was not available at the time of variant classification. Additional details can be found in publication PMID: 35346344, PMCID: PMC8962531

NM_004329.3(BMPR1A):c.1189C>T (p.Pro397Ser)

Gene: BMPR1A (bone morphogenetic protein receptor type 1A; plus strand). Cytogenetic location: 10q23.2.
Variant type: single nucleotide variant.
Coding change: c.1189C>T on transcript NM_004329.3 (MANE Select); coding-DNA position 1189, C replaced by T.
Protein change: p.Pro397Ser; replaces proline 397 with serine.
Molecular consequence: missense variant.
Genome position (GRCh38, 1-based): chr10:86,921,542, C>T. VCF-style: chr10-86921542-C-T. GRCh37 (hg19) VCF-style: chr10-88681299-C-T.
Other names: short protein forms P397S.
Identifiers: ClinVar variation 927603 (VCV000927603.13), dbSNP rs1843665120, ClinGen allele CA377461889.
Genomic context (GRCh38, chr10:86,921,542, plus strand): 5'-TGGCCCTCAACTTGGACCTTGGCTTTCTTTTGTTTCAGTGACACAAATGAAGTTGATGTG[C>T]CCTTGAATACCAGGGTGGGCACCAAACGCTACATGGCTCCCGAAGTGCTGGACGAAAGCC-3'
Protein context (NP_004320.2, residues 387-407): FNSDTNEVDV[Pro397Ser]LNTRVGTKRY